The following is an entry in ClinVar:

NM_006031.6(PCNT):c.1744G>A (p.Glu582Lys)

Gene: PCNT (pericentrin; plus strand). Cytogenetic location: 21q22.3.
Variant type: single nucleotide variant.
Coding change: c.1744G>A on transcript NM_006031.6 (MANE Select); coding-DNA position 1744, G replaced by A.
Protein change: p.Glu582Lys; replaces glutamic acid 582 with lysine.
Molecular consequence: missense variant.
Genome position (GRCh38, 1-based): chr21:46,354,051, G>A. VCF-style: chr21-46354051-G-A. GRCh37 (hg19) VCF-style: chr21-47773965-G-A.
Other names: c.1390G>A, p.Glu464Lys (NM_001315529.2); short protein forms E464K, E582K.
Identifiers: ClinVar variation 4978408 (VCV004978408.1).
Genomic context (GRCh38, chr21:46,354,051, plus strand): 5'-TCCTGTGTGGGTTTAGAAGAGAAACCTGAGAAAGGAAGAAAAGATCACGTTGATGAACTC[G>A]AGCCTGAGCGACATAAGGTAATTGGCCGCGCGCTGAGAAGTGGGGGAGTCCTGTGCTCTT-3'
Protein context (NP_006022.3, residues 572-592): KGRKDHVDEL[Glu582Lys]PERHKESLPR

ClinVar aggregate classification (germline): Uncertain significance (1 of 4 stars; one submission).

Conditions:
PCNT-related disorder. Also called: PCNT-related condition.

gnomAD v4.1: 3 of 1,614,028 alleles (0.00019%); highest among the groups gnomAD compares: Admixed American, 0.0017%; no homozygotes.

Submission:

PreventionGenetics, part of Exact Sciences
Classification: Uncertain significance for PCNT-related condition. Last evaluated: 2026-06-15. Review status: criteria provided, single submitter. Criteria: ACMG Guidelines, 2015. Collection method: clinical testing. Allele origin: germline.
Comment: The PCNT c.1744G>A variant is predicted to result in the amino acid substitution p.Glu582Lys. To our knowledge, this variant has not been reported in the literature. This variant is reported in 0.0029% of alleles in individuals of Latino descent in gnomAD. At this time, the clinical significance of this variant is uncertain due to the absence of conclusive functional and genetic evidence.